The following is an entry in ClinVar:

ClinVar aggregate classification (germline): Pathogenic (1 of 4 stars; one submission).

Submission:

Labcorp Genetics (formerly Invitae), Labcorp
Classification: Pathogenic. Last evaluated: 2023-05-17. Review status: criteria provided, single submitter. Criteria: Invitae Variant Classification Sherloc (09022015). Collection method: clinical testing. Allele origin: germline.
Comment: For these reasons, this variant has been classified as Pathogenic. This variant has not been reported in the literature in individuals affected with DUOX2-related conditions. This variant is not present in population databases (gnomAD no frequency). This sequence change creates a premature translational stop signal (p.Cys1307Serfs*17) in the DUOX2 gene. It is expected to result in an absent or disrupted protein product. Loss-of-function variants in DUOX2 are known to be pathogenic (PMID: 12110737, 18765513, 21565790, 24423310, 24735383).

Literature cited by the submitters: PubMed 12110737; PubMed 18765513; PubMed 21565790; PubMed 24423310; PubMed 24735383.

NM_001363711.2(DUOX2):c.3920_3927del (p.Cys1307fs)

Gene: DUOX2 (dual oxidase 2; minus strand). Cytogenetic location: 15q21.1.
Variant type: Deletion.
Coding change: c.3920_3927del on transcript NM_001363711.2 (MANE Select); coding-DNA positions 3920 to 3927, 8 bases deleted (GCCTGGCT; older notation c.3920_3927delGCCTGGCT).
Protein change: p.Cys1307fs; shifts the reading frame from cysteine 1307.
Molecular consequence: frameshift variant.
Genome position (GRCh38, 1-based): chr15:45,095,981-45,095,988, AGCCAGGC deleted on the plus strand (GCCTGGCT on the coding strand, the reverse complement: DUOX2 is on the minus strand); deleting any 8 consecutive bases within chr15:45,095,981-45,095,990 gives the same sequence; the c. name uses the placement nearest the transcript's 3' end. VCF-style (leftmost placement, unchanged base first): chr15-45095980-GAGCCAGGC-G. GRCh37 (hg19) VCF-style: chr15-45388178-GAGCCAGGC-G.
Other names: c.3920_3927del, p.Cys1307fs (NM_014080.5); short protein forms C1307fs.
Identifiers: ClinVar variation 2865279 (VCV002865279.3), dbSNP rs2504740629, ClinGen allele CA2739278650.